The following is an entry in ClinVar:

ClinVar aggregate classification (germline): Uncertain significance (1 of 4 stars; one submission).

Conditions:
Pheochromocytoma. Also called: MAX-Related Hereditary Paraganglioma-Pheochromocytoma Syndrome. Identifiers: Orphanet 29072, MedGen C0031511, MONDO:0008233, OMIM 171300, HP:0002666.
Pheochromocytoma/paraganglioma syndrome 4. Also called: CAROTID BODY TUMORS AND MULTIPLE EXTRAADRENAL PHEOCHROMOCYTOMAS; PARAGANGLIOMA, FAMILIAL MALIGNANT; PARAGANGLIOMAS, HEREDITARY EXTRAADRENAL; PHEOCHROMOCYTOMA, FAMILIAL EXTRAADRENAL; Paragangliomas 4; SDHB-Related Hereditary Paraganglioma-Pheochromocytoma Syndrome (Paragangliomas 4). Identifiers: Orphanet 29072, MedGen C1861848, MONDO:0007273, OMIM 115310.
Gastrointestinal stromal tumor. Also called: Gastrointestinal stroma tumor; Gastrointestinal stromal tumor, somatic. Identifiers: Orphanet 44890, MedGen C0238198, MeSH D046152, MONDO:0011719, OMIM 606764, HP:0100723.

Submission:

Labcorp Genetics (formerly Invitae), Labcorp
Classification: Uncertain significance for Gastrointestinal stromal tumor; Pheochromocytoma/paraganglioma syndrome 4; Pheochromocytoma. Last evaluated: 2022-04-29. Review status: criteria provided, single submitter. Criteria: Invitae Variant Classification Sherloc (09022015). Collection method: clinical testing. Allele origin: germline.
Comment: Advanced modeling of protein sequence and biophysical properties (such as structural, functional, and spatial information, amino acid conservation, physicochemical variation, residue mobility, and thermodynamic stability) performed at Invitae indicates that this missense variant is not expected to disrupt SDHB protein function. In summary, the available evidence is currently insufficient to determine the role of this variant in disease. Therefore, it has been classified as a Variant of Uncertain Significance. This variant has not been reported in the literature in individuals affected with SDHB-related conditions. This variant is not present in population databases (gnomAD no frequency). This sequence change replaces alanine, which is neutral and non-polar, with serine, which is neutral and polar, at codon 21 of the SDHB protein (p.Ala21Ser).

NM_003000.3(SDHB):c.61G>T (p.Ala21Ser)

Genes: SDHB (succinate dehydrogenase complex iron sulfur subunit B; minus strand), LOC129929542 (ATAC-STARR-seq lymphoblastoid active region 277; plus strand). Cytogenetic location: 1p36.13.
Variant type: single nucleotide variant.
Coding change: c.61G>T on transcript NM_003000.3 (MANE Select); coding-DNA position 61, G replaced by T.
Protein change: p.Ala21Ser; replaces alanine 21 with serine.
Molecular consequence: missense variant.
Genome position (GRCh38, 1-based): chr1:17,053,959, C>A on the plus strand (G>T on the coding strand, the complement: SDHB is on the minus strand). VCF-style: chr1-17053959-C-A. GRCh37 (hg19) VCF-style: chr1-17380454-C-A.
Other names: c.61G>T, p.Ala21Ser (NM_001407361.1); short protein forms A21S.
Identifiers: ClinVar variation 2102277 (VCV002102277.4), dbSNP rs774266782, ClinGen allele CA338230638.
Genomic context (GRCh38, chr1:17,053,959, plus strand): 5'-GTCTCTGTGGCTTTCCTGACTTTTCCCTCTCTGAGGCTCCAGGACTCACCTGCAGGCAGG[C>A]TCCGCCAAGGGTTGTGGCCGGCAACCGGCGCCTCAAGGAGAGGGCGACCACCGCCGCCAT-3'
Protein context (NP_002991.2, residues 11-31): RRLPATTLGG[Ala21Ser]CLQASRGAQT